The following is an entry in ClinVar:

NM_001171.6(ABCC6):c.4294G>A (p.Val1432Met)

Gene: ABCC6 (ATP binding cassette subfamily C member 6; minus strand). Cytogenetic location: 16p13.11.
Variant type: single nucleotide variant.
Coding change: c.4294G>A on transcript NM_001171.6 (MANE Select); coding-DNA position 4294, G replaced by A.
Protein change: p.Val1432Met; replaces valine 1432 with methionine.
Molecular consequence: missense variant. On other transcripts: non-coding transcript variant (1).
Genome position (GRCh38, 1-based): chr16:16,150,687, C>T on the plus strand (G>A on the coding strand, the complement: ABCC6 is on the minus strand). VCF-style: chr16-16150687-C-T. GRCh37 (hg19) VCF-style: chr16-16244544-C-T.
Other names: c.3952G>A, p.Val1318Met (NM_001351800.1); short protein forms V1318M, V1432M.
Identifiers: ClinVar variation 1356089 (VCV001356089.7), dbSNP rs531418668, ClinGen allele CA7925229.

ClinVar aggregate classification (germline): Uncertain significance. Review status: criteria provided, multiple submitters, no conflicts (2 of 4 stars). 3 submissions from 3 submitters: Uncertain significance (3). Last evaluated 2023-10-03.

Conditions:
Autosomal recessive inherited pseudoxanthoma elasticum (PXE). Identifiers: Orphanet 758, MedGen CN032334, MONDO:0009925, OMIM 264800.
Arterial calcification, generalized, of infancy, 2. Identifiers: Orphanet 51608, MedGen C3276161, MONDO:0013768, OMIM 614473.
Pseudoxanthoma elasticum, forme fruste. Also called: Pseudoxanthoma Elasticum, Incomplete; PSEUDOXANTHOMA ELASTICUM, HETEROZYGOUS. Identifiers: Orphanet 758, MedGen C1867450, MONDO:0008333, OMIM 177850.

Allele frequency attached by ClinVar (database versions not stated): gnomAD exomes 0.00001 and 0.00004; gnomAD 0.00004 and 0.00005; ExAC 0.00005; 1000 Genomes Project 30x 0.00016; 1000 Genomes Project 0.00020.
gnomAD v4.1: 25 of 1,613,736 alleles (0.0015%); highest among the groups gnomAD compares: African/African-American, 0.011%; no homozygotes.

Submissions (3):

Labcorp Genetics (formerly Invitae), Labcorp
Classification: Uncertain significance. Last evaluated: 2023-10-03. Review status: criteria provided, single submitter. Criteria: Invitae Variant Classification Sherloc (09022015). Collection method: clinical testing. Allele origin: germline.
Comment: This sequence change replaces valine, which is neutral and non-polar, with methionine, which is neutral and non-polar, at codon 1432 of the ABCC6 protein (p.Val1432Met). This variant is present in population databases (rs531418668, gnomAD 0.01%). This variant has not been reported in the literature in individuals affected with ABCC6-related conditions. ClinVar contains an entry for this variant (Variation ID: 1356089). Advanced modeling of protein sequence and biophysical properties (such as structural, functional, and spatial information, amino acid conservation, physicochemical variation, residue mobility, and thermodynamic stability) has been performed at Invitae for this missense variant, however the output from this modeling did not meet the statistical confidence thresholds required to predict the impact of this variant on ABCC6 protein function. In summary, the available evidence is currently insufficient to determine the role of this variant in disease. Therefore, it has been classified as a Variant of Uncertain Significance.

Fulgent Genetics
Classification: Uncertain significance for Pseudoxanthoma elasticum, forme fruste; Autosomal recessive inherited pseudoxanthoma elasticum; Arterial calcification, generalized, of infancy, 2. Last evaluated: 2022-04-21. Review status: criteria provided, single submitter. Criteria: ACMG Guidelines, 2015. Collection method: clinical testing. Allele origin: unknown.

Juno Genomics, Hangzhou Juno Genomics, Inc
Classification: Uncertain significance for Autosomal recessive inherited pseudoxanthoma elasticum. Review status: criteria provided, single submitter. Criteria: ACMG Guidelines, 2015. Collection method: clinical testing. Allele origin: germline. Affected: yes.
Comment: Absent from controls (or at extremely low frequency if recessive) in Genome Aggregation Database.;Multiple lines of computational evidence support a deleterious effect on the gene or gene product.;For recessive disorders, detected in trans with a pathogenic variant.